The following is an entry in ClinVar:

NM_001029883.3(PCARE):c.3160C>T (p.Pro1054Ser)

Gene: PCARE (photoreceptor cilium actin regulator; minus strand). Cytogenetic location: 2p23.2.
Variant type: single nucleotide variant.
Coding change: c.3160C>T on transcript NM_001029883.3 (MANE Select); coding-DNA position 3160, C replaced by T.
Protein change: p.Pro1054Ser; replaces proline 1054 with serine.
Molecular consequence: missense variant.
Genome position (GRCh38, 1-based): chr2:29,071,102, G>A on the plus strand (C>T on the coding strand, the complement: PCARE is on the minus strand). VCF-style: chr2-29071102-G-A. GRCh37 (hg19) VCF-style: chr2-29293968-G-A.
Other names: short protein forms P1054S.
Identifiers: ClinVar variation 956113 (VCV000956113.6), dbSNP rs1018948912, ClinGen allele CA44639916.

ClinVar aggregate classification (germline): Uncertain significance (1 of 4 stars; one submission).

Allele frequency attached by ClinVar (database versions not stated): gnomAD exomes below 0.00001 and 0.00001; TOPMed 0.00001.
gnomAD v4.1: 11 of 1,597,908 alleles (0.00069%); highest among the groups gnomAD compares: Middle Eastern, 0.034%; no homozygotes.

Submission:

Labcorp Genetics (formerly Invitae), Labcorp
Classification: Uncertain significance. Last evaluated: 2025-04-16. Review status: criteria provided, single submitter. Criteria: Invitae Variant Classification Sherloc (09022015). Collection method: clinical testing. Allele origin: germline.
Comment: This sequence change replaces proline, which is neutral and non-polar, with serine, which is neutral and polar, at codon 1054 of the PCARE protein (p.Pro1054Ser). This variant is present in population databases (no rsID available, gnomAD 0.003%). This variant has not been reported in the literature in individuals affected with PCARE-related conditions. ClinVar contains an entry for this variant (Variation ID: 956113). An algorithm developed to predict the effect of missense changes on protein structure and function (PolyPhen-2) suggests that this variant is likely to be tolerated. In summary, the available evidence is currently insufficient to determine the role of this variant in disease. Therefore, it has been classified as a Variant of Uncertain Significance.